The following is an entry in ClinVar:

ClinVar aggregate classification (germline): Uncertain significance (1 of 4 stars; one submission).

Submission:

Labcorp Genetics (formerly Invitae), Labcorp
Classification: Uncertain significance. Last evaluated: 2022-09-13. Review status: criteria provided, single submitter. Criteria: Invitae Variant Classification Sherloc (09022015). Collection method: clinical testing. Allele origin: germline.
Comment: In summary, the available evidence is currently insufficient to determine the role of this variant in disease. Therefore, it has been classified as a Variant of Uncertain Significance. Advanced modeling of protein sequence and biophysical properties (such as structural, functional, and spatial information, amino acid conservation, physicochemical variation, residue mobility, and thermodynamic stability) performed at Invitae indicates that this missense variant is not expected to disrupt NSD1 protein function. This variant has not been reported in the literature in individuals affected with NSD1-related conditions. This variant is not present in population databases (gnomAD no frequency). This sequence change replaces glutamine, which is neutral and polar, with arginine, which is basic and polar, at codon 1092 of the NSD1 protein (p.Gln1092Arg).

NM_022455.5(NSD1):c.3275A>G (p.Gln1092Arg)

Gene: NSD1 (nuclear receptor binding SET domain protein 1; plus strand). Cytogenetic location: 5q35.3.
Variant type: single nucleotide variant.
Coding change: c.3275A>G on transcript NM_022455.5 (MANE Select); coding-DNA position 3275, A replaced by G.
Protein change: p.Gln1092Arg; replaces glutamine 1092 with arginine.
Molecular consequence: missense variant.
Genome position (GRCh38, 1-based): chr5:177,211,674, A>G. VCF-style: chr5-177211674-A-G. GRCh37 (hg19) VCF-style: chr5-176638675-A-G.
Other names: c.2402A>G, p.Gln801Arg (NM_001365684.2, NM_001409306.1, NM_001409307.1 and 3 more transcripts); c.3275A>G, p.Gln1092Arg (NM_001409301.1, NM_001409302.1, NM_001409303.1); c.2855A>G, p.Gln952Arg (NM_001409304.1); c.2522A>G, p.Gln841Arg (NM_001409305.1); short protein forms Q1092R, Q801R, Q823R, Q841R, Q952R.
Identifiers: ClinVar variation 1714435 (VCV001714435.6), dbSNP rs2480463585, ClinGen allele CA362323345.